The following is an entry in ClinVar:

NM_001277115.2(DNAH11):c.8525G>A (p.Arg2842Gln)

Gene: DNAH11 (dynein axonemal heavy chain 11; plus strand). Cytogenetic location: 7p15.3.
Variant type: single nucleotide variant.
Coding change: c.8525G>A on transcript NM_001277115.2 (MANE Select); coding-DNA position 8525, G replaced by A.
Protein change: p.Arg2842Gln; replaces arginine 2842 with glutamine.
Molecular consequence: missense variant.
Genome position (GRCh38, 1-based): chr7:21,748,594, G>A. VCF-style: chr7-21748594-G-A. GRCh37 (hg19) VCF-style: chr7-21788212-G-A.
Other names: c.8546G>A, p.Arg2849Gln (NM_003777.3); short protein forms R2849Q, R2842Q.
Identifiers: ClinVar variation 2888641 (VCV002888641.4), dbSNP rs778407227, ClinGen allele CA4181636.
Genomic context (GRCh38, chr7:21,748,594, plus strand): 5'-GGGGCATTTTCGATTTTGTGCCATAATGGGCGCTTCCTTTCCTCAGGTGTCGCATCAGCC[G>A]GATCTTACGAACCCCTCAGGGCTGTGCTCTCTTGGTTGGAGTTGGGGGCAGTGGCAAGCA-3'
Protein context (NP_001264044.1, residues 2832-2852): DAMQHVCRIS[Arg2842Gln]ILRTPQGCAL

ClinVar aggregate classification (germline): Pathogenic/Likely pathogenic. Review status: criteria provided, multiple submitters, no conflicts (2 of 4 stars). 2 submissions from 2 submitters: Pathogenic (1); Likely pathogenic (1). Last evaluated 2024-11-22.

Conditions:
Primary ciliary dyskinesia. Also called: Ciliary dyskinesia. Identifiers: Orphanet 244, MedGen C0008780, MONDO:0016575, HP:0012265.
DNAH11-related disorders.

Allele frequency attached by ClinVar (database versions not stated): ExAC 0.00001; gnomAD exomes 0.00002.
gnomAD v4.1: 42 of 1,544,156 alleles (0.0027%); highest among the groups gnomAD compares: Admixed American, 0.0039%; no homozygotes.

Submissions (2):

Labcorp Genetics (formerly Invitae), Labcorp
Classification: Likely pathogenic for Primary ciliary dyskinesia. Last evaluated: 2024-11-22. Review status: criteria provided, single submitter. Criteria: Invitae Variant Classification Sherloc (09022015). Collection method: clinical testing. Allele origin: germline.
Comment: This sequence change replaces arginine, which is basic and polar, with glutamine, which is neutral and polar, at codon 2842 of the DNAH11 protein (p.Arg2842Gln). This variant is present in population databases (rs778407227, gnomAD 0.07%). This missense change has been observed in individual(s) with primary ciliary dyskinesia (PMID: 26909801). In at least one individual the data is consistent with being in trans (on the opposite chromosome) from a pathogenic variant. It has also been observed to segregate with disease in related individuals. ClinVar contains an entry for this variant (Variation ID: 2888641). Invitae Evidence Modeling of protein sequence and biophysical properties (such as structural, functional, and spatial information, amino acid conservation, physicochemical variation, residue mobility, and thermodynamic stability) has been performed for this missense variant. However, the output from this modeling did not meet the statistical confidence thresholds required to predict the impact of this variant on DNAH11 protein function. In summary, the currently available evidence indicates that the variant is pathogenic, but additional data are needed to prove that conclusively. Therefore, this variant has been classified as Likely Pathogenic.

Blueprint Genetics
Classification: Pathogenic for DNAH11-related disorders. Last evaluated: 2022-10-10. Review status: criteria provided, single submitter. Criteria: ACMG Guidelines, 2015. Collection method: clinical testing. Allele origin: germline. Affected: yes. Observed: 5 variant alleles.

Literature cited by the submitters: PubMed 26909801 (cited by Labcorp Genetics (formerly Invitae), Labcorp).